The following is an entry in ClinVar:

NM_031885.5(BBS2):c.1615C>T (p.Arg539Trp)

Gene: BBS2 (Bardet-Biedl syndrome 2; minus strand). Cytogenetic location: 16q13.
Variant type: single nucleotide variant.
Coding change: c.1615C>T on transcript NM_031885.5 (MANE Select); coding-DNA position 1615, C replaced by T.
Protein change: p.Arg539Trp; replaces arginine 539 with tryptophan.
Molecular consequence: missense variant. On other transcripts: non-coding transcript variant (5).
Genome position (GRCh38, 1-based): chr16:56,498,481, G>A on the plus strand (C>T on the coding strand, the complement: BBS2 is on the minus strand). VCF-style: chr16-56498481-G-A. GRCh37 (hg19) VCF-style: chr16-56532393-G-A.
Other names: c.1615C>T, p.Arg539Trp (NM_001377456.1); c.1615C>T (NM_031885.3); short protein forms R539W.
Identifiers: ClinVar variation 1007760 (VCV001007760.8), dbSNP rs1175381219, ClinGen allele CA395976589.

ClinVar aggregate classification (germline): Uncertain significance. Review status: criteria provided, multiple submitters, no conflicts (2 of 4 stars). 6 submissions from 6 submitters: Uncertain significance (5). 1 of the submissions does not count toward it. Last evaluated 2026-04-13.

Conditions:
Bardet-Biedl syndrome 2 (BBS2). Identifiers: Orphanet 110, MedGen C2936863, MONDO:0014432, OMIM 615981.
Retinitis pigmentosa 74 (RP74). Identifiers: Orphanet 791, MedGen C4225281, MONDO:0014692, OMIM 616562.
BBS2-related disorder. Also called: BBS2-related condition; BBS2-related disorders. Identifiers: MedGen CN239228.
Bardet-Biedl syndrome (BBS). Identifiers: Orphanet 110, MedGen C0752166, MONDO:0015229.

Allele frequency attached by ClinVar (database versions not stated): gnomAD exomes 0.00001 and 0.00002; gnomAD 0.00003; TOPMed 0.00005.
gnomAD v4.1: 19 of 1,613,810 alleles (0.0012%); highest among the groups gnomAD compares: African/African-American, 0.012%; no homozygotes.

Submissions (6):

PreventionGenetics, part of Exact Sciences
Classification: Uncertain significance for BBS2-related condition. Last evaluated: 2026-04-13. Review status: criteria provided, single submitter. Criteria: ACMG Guidelines, 2015. Collection method: clinical testing. Allele origin: germline.
Comment: The BBS2 c.1615C>T variant is predicted to result in the amino acid substitution p.Arg539Trp. To our knowledge, this variant has not been reported in the literature. This variant is reported in 0.0062% of alleles in individuals of African descent in gnomAD. At this time, the clinical significance of this variant is uncertain due to the absence of conclusive functional and genetic evidence.

GeneDx
Classification: Uncertain significance. Last evaluated: 2025-04-10. Review status: criteria provided, single submitter. Criteria: GeneDx Variant Classification Process June 2021. Collection method: clinical testing. Allele origin: germline.
Comment: In silico analysis supports that this missense variant has a deleterious effect on protein structure/function; Has not been previously published as pathogenic or benign to our knowledge

Blueprint Genetics
Classification: Uncertain significance. Last evaluated: 2024-04-15. Review status: criteria provided, single submitter. Criteria: ACMG Guidelines, 2015. Collection method: clinical testing. Allele origin: germline.

Fulgent Genetics
Classification: Uncertain significance for Bardet-Biedl syndrome 2; Retinitis pigmentosa 74. Last evaluated: 2024-01-25. Review status: criteria provided, single submitter. Criteria: ACMG Guidelines, 2015. Collection method: clinical testing. Allele origin: germline.

Labcorp Genetics (formerly Invitae), Labcorp
Classification: Uncertain significance for Bardet-Biedl syndrome. Last evaluated: 2021-12-22. Review status: criteria provided, single submitter. Criteria: Invitae Variant Classification Sherloc (09022015). Collection method: clinical testing. Allele origin: germline.
Comment: This sequence change replaces arginine, which is basic and polar, with tryptophan, which is neutral and slightly polar, at codon 539 of the BBS2 protein (p.Arg539Trp). This variant is present in population databases (no rsID available, gnomAD 0.007%). This variant has not been reported in the literature in individuals affected with BBS2-related conditions. ClinVar contains an entry for this variant (Variation ID: 1007760). Algorithms developed to predict the effect of missense changes on protein structure and function (SIFT, PolyPhen-2, Align-GVGD) all suggest that this variant is likely to be disruptive. In summary, the available evidence is currently insufficient to determine the role of this variant in disease. Therefore, it has been classified as a Variant of Uncertain Significance.

Natera, Inc.
Classification: Uncertain significance for Bardet-Biedl syndrome type 2. Last evaluated: 2020-02-21. Review status: no assertion criteria provided. Collection method: clinical testing. Allele origin: germline. Not counted in ClinVar's aggregate classification.